The following is an entry in ClinVar:

ClinVar aggregate classification (germline): Uncertain significance. Review status: criteria provided, multiple submitters, no conflicts (2 of 4 stars). 2 submissions from 2 submitters: Uncertain significance (2). Last evaluated 2024-03-28.

Allele frequency attached by ClinVar (database versions not stated): ExAC 0.00001; gnomAD exomes 0.00001 and 0.00002; TOPMed 0.00003; ESP Exome Variant Server 0.00008.
gnomAD v4.1: 35 of 1,613,866 alleles (0.0022%); highest among the groups gnomAD compares: Non-Finnish European, 0.0029%; no homozygotes.

Submissions (2):

Women's Health and Genetics/Laboratory Corporation of America, LabCorp
Classification: Uncertain significance. Last evaluated: 2024-03-28. Review status: criteria provided, single submitter. Criteria: LabCorp Variant Classification Summary - May 2015. Collection method: clinical testing. Allele origin: germline.
Comment: Variant summary: PDHX c.1286C>G (p.Thr429Ser) results in a conservative amino acid change located in the 2-oxoacid dehydrogenase acyltransferase, catalytic domain (IPR001078) of the encoded protein sequence. Five of five in-silico tools predict a benign effect of the variant on protein function. The variant allele was found at a frequency of 8e-06 in 250982 control chromosomes (gnomAD). The available data on variant occurrences in the general population are insufficient to allow any conclusion about variant significance. To our knowledge, no occurrence of c.1286C>G in individuals affected with Pyruvate Dehydrogenase E3-Binding Protein Deficiency and no experimental evidence demonstrating its impact on protein function have been reported. ClinVar contains an entry for this variant (Variation ID: 846329). Based on the evidence outlined above, the variant was classified as uncertain significance.

Labcorp Genetics (formerly Invitae), Labcorp
Classification: Uncertain significance. Last evaluated: 2021-09-01. Review status: criteria provided, single submitter. Criteria: Invitae Variant Classification Sherloc (09022015). Collection method: clinical testing. Allele origin: germline.

NM_003477.3(PDHX):c.1286C>G (p.Thr429Ser)

Gene: PDHX (pyruvate dehydrogenase complex component X; plus strand). Cytogenetic location: 11p13.
Variant type: single nucleotide variant.
Coding change: c.1286C>G on transcript NM_003477.3 (MANE Select); coding-DNA position 1286, C replaced by G.
Protein change: p.Thr429Ser; replaces threonine 429 with serine.
Molecular consequence: missense variant.
Genome position (GRCh38, 1-based): chr11:34,994,952, C>G. VCF-style: chr11-34994952-C-G. GRCh37 (hg19) VCF-style: chr11-35016499-C-G.
Other names: c.1106C>G, p.Thr369Ser (NM_001135024.2); c.605C>G, p.Thr202Ser (NM_001166158.2); short protein forms T202S, T429S, T369S.
Identifiers: ClinVar variation 846329 (VCV000846329.7), dbSNP rs375438296, ClinGen allele CA5946176.
Genomic context (GRCh38, chr11:34,994,952, plus strand): 5'-GAGCTTTTTCTTTTCCCCCTAGTATTTCCAACTTGGGGATGTTTGGCATCGACGAATTTA[C>G]TGCAGTGATTAACCCTCCTCAGGCCTGCATTTTGGCGGTTGGGAGGTTCCGACCTGTGCT-3'
Protein context (NP_003468.2, residues 419-439): NLGMFGIDEF[Thr429Ser]AVINPPQACI